The following is an entry in ClinVar:

NM_000492.4:c.(3428+1_3469-1)_(3717+1_3718-1)dup

Gene: CFTR (CF transmembrane conductance regulator; plus strand).
Variant type: Duplication.
Other names: c.(3428+1_3469-1)_(3717+1_3718-1)dup (NM_000492.4).
Identifiers: ClinVar variation 1706043 (VCV001706043.1).

ClinVar aggregate classification (germline): Likely pathogenic (1 of 4 stars; one submission).

Conditions:
Cystic fibrosis (CF). Also called: MUCOVISCIDOSIS. Identifiers: Orphanet 586, MedGen C0010674, MONDO:0009061, OMIM 219700. Disease mechanism: loss of function.

Submission:

Institute of Human Genetics, University of Leipzig Medical Center
Classification: Likely pathogenic for Cystic fibrosis. Last evaluated: 2022-09-05. Review status: criteria provided, single submitter. Criteria: ACMG Guidelines, 2015. Collection method: curation. Allele origin: unknown. Affected: yes. Observed: 1 variant allele.
Comment: The variant was classified in the context of a project re-classifying variants in the German Cystic Fibrosis Registry (Muko.e.V.). Criteria applied: PM2_SUP, PM3, PM4, PP4